The following is an entry in ClinVar:

ClinVar aggregate classification (germline): Uncertain significance (1 of 4 stars; one submission).

Conditions:
Inborn genetic diseases. Identifiers: MedGen C0950123, MeSH D030342.

Submission:

Ambry Genetics
Classification: Uncertain significance for Inborn genetic diseases. Last evaluated: 2024-08-26. Review status: criteria provided, single submitter. Criteria: Ambry Variant Classification Scheme 2023. Collection method: clinical testing. Allele origin: germline.
Comment: The p.E2301G variant (also known as c.6902A>G), located in coding exon 41 of the ATR gene, results from an A to G substitution at nucleotide position 6902. The glutamic acid at codon 2301 is replaced by glycine, an amino acid with similar properties. This amino acid position is conserved. In addition, this alteration is predicted to be deleterious by in silico analysis. Based on the available evidence, the clinical significance of this variant remains unclear.

NM_001184.4(ATR):c.6902A>G (p.Glu2301Gly)

Gene: ATR (ATR serine/threonine kinase; minus strand). Cytogenetic location: 3q23.
Variant type: single nucleotide variant.
Coding change: c.6902A>G on transcript NM_001184.4 (MANE Select); coding-DNA position 6902, A replaced by G.
Protein change: p.Glu2301Gly; replaces glutamic acid 2301 with glycine.
Molecular consequence: missense variant.
Genome position (GRCh38, 1-based): chr3:142,465,236, T>C on the plus strand (A>G on the coding strand, the complement: ATR is on the minus strand). VCF-style: chr3-142465236-T-C. GRCh37 (hg19) VCF-style: chr3-142184078-T-C.
Other names: c.6710A>G, p.Glu2237Gly (NM_001354579.2); short protein forms E2237G, E2301G.
Identifiers: ClinVar variation 3462553 (VCV003462553.1).